The following is an entry in ClinVar:

NM_001164508.2(NEB):c.8111A>T (p.Asp2704Val)

Gene: NEB (nebulin; minus strand). Cytogenetic location: 2q23.3.
Variant type: single nucleotide variant.
Coding change: c.8111A>T on transcript NM_001164508.2 (MANE Select); coding-DNA position 8111, A replaced by T.
Protein change: p.Asp2704Val; replaces aspartic acid 2704 with valine.
Molecular consequence: missense variant.
Genome position (GRCh38, 1-based): chr2:151,643,199, T>A on the plus strand (A>T on the coding strand, the complement: NEB is on the minus strand). VCF-style: chr2-151643199-T-A. GRCh37 (hg19) VCF-style: chr2-152499713-T-A.
Other names: c.8111A>T, p.Asp2704Val (NM_001164507.2, NM_001271208.2, NM_004543.5); short protein forms D2704V.
Identifiers: ClinVar variation 1928883 (VCV001928883.2), dbSNP rs2098907855, ClinGen allele CA348813331.

ClinVar aggregate classification (germline): Uncertain significance (1 of 4 stars; one submission).

Conditions:
Nemaline myopathy 2 (NEM2). Also called: Nemaline myopathy 2, autosomal recessive. Identifiers: MedGen C1850569, MONDO:0009725, OMIM 256030.

Submission:

Labcorp Genetics (formerly Invitae), Labcorp
Classification: Uncertain significance for Nemaline myopathy 2. Last evaluated: 2021-02-08. Review status: criteria provided, single submitter. Criteria: Invitae Variant Classification Sherloc (09022015). Collection method: clinical testing. Allele origin: germline.
Comment: This sequence change replaces aspartic acid with valine at codon 2704 of the NEB protein (p.Asp2704Val). The aspartic acid residue is moderately conserved and there is a large physicochemical difference between aspartic acid and valine. This variant is not present in population databases (ExAC no frequency). This variant has not been reported in the literature in individuals with NEB-related conditions. Algorithms developed to predict the effect of missense changes on protein structure and function are either unavailable or do not agree on the potential impact of this missense change (SIFT: "Deleterious"; PolyPhen-2: "Not Available"; Align-GVGD: "Class C0"). In summary, the available evidence is currently insufficient to determine the role of this variant in disease. Therefore, it has been classified as a Variant of Uncertain Significance.